The following is an entry in ClinVar:

ClinVar aggregate classification (germline): Uncertain significance. Review status: criteria provided, multiple submitters, no conflicts (2 of 4 stars). 2 submissions from 2 submitters: Uncertain significance (2). Last evaluated 2024-05-13.

Conditions:
Inborn genetic diseases. Identifiers: MedGen C0950123, MeSH D030342.

Allele frequency attached by ClinVar (database versions not stated): gnomAD exomes below 0.00001 and 0.00001; TOPMed below 0.00001; ExAC 0.00001.
gnomAD v4.1: 5 of 1,613,950 alleles (0.00031%); highest among the groups gnomAD compares: Admixed American, 0.0033%; no homozygotes.

Submissions (2):

Ambry Genetics
Classification: Uncertain significance for Inborn genetic diseases. Last evaluated: 2024-05-13. Review status: criteria provided, single submitter. Criteria: Ambry Variant Classification Scheme 2023. Collection method: clinical testing. Allele origin: germline.

Labcorp Genetics (formerly Invitae), Labcorp
Classification: Uncertain significance. Last evaluated: 2022-09-07. Review status: criteria provided, single submitter. Criteria: Invitae Variant Classification Sherloc (09022015). Collection method: clinical testing. Allele origin: germline.
Comment: This sequence change replaces histidine, which is basic and polar, with tyrosine, which is neutral and polar, at codon 251 of the OSGEP protein (p.His251Tyr). This variant is present in population databases (rs746911970, gnomAD 0.006%). This variant has not been reported in the literature in individuals affected with OSGEP-related conditions. ClinVar contains an entry for this variant (Variation ID: 1483135). Algorithms developed to predict the effect of missense changes on protein structure and function are either unavailable or do not agree on the potential impact of this missense change (SIFT: "Deleterious"; PolyPhen-2: "Possibly Damaging"; Align-GVGD: "Class C15"). In summary, the available evidence is currently insufficient to determine the role of this variant in disease. Therefore, it has been classified as a Variant of Uncertain Significance.

NM_017807.4(OSGEP):c.751C>T (p.His251Tyr)

Gene: OSGEP (O-sialoglycoprotein endopeptidase; minus strand). Cytogenetic location: 14q11.2.
Variant type: single nucleotide variant.
Coding change: c.751C>T on transcript NM_017807.4 (MANE Select); coding-DNA position 751, C replaced by T.
Protein change: p.His251Tyr; replaces histidine 251 with tyrosine.
Molecular consequence: missense variant.
Genome position (GRCh38, 1-based): chr14:20,447,946, G>A on the plus strand (C>T on the coding strand, the complement: OSGEP is on the minus strand). VCF-style: chr14-20447946-G-A. GRCh37 (hg19) VCF-style: chr14-20916105-G-A.
Other names: c.751C>T (NM_017807.3); short protein forms H251Y.
Identifiers: ClinVar variation 1483135 (VCV001483135.7), dbSNP rs746911970, ClinGen allele CA7081102.
Genomic context (GRCh38, chr14:20,447,946, plus strand): 5'-CTTTTCAATAATACATACACCCCACTCCTCCCACAATGAGGGCCTCCTGGGAGCCACAAT[G>A]TGCCATGGCTCGCTCTGTGATCTCTACCAGCATTGCAAACACAGTTTCCTGTCAGGGACA-3'
Protein context (NP_060277.1, residues 241-261): LVEITERAMA[His251Tyr]CGSQEALIVG